The following is an entry in ClinVar:

ClinVar aggregate classification (germline): Uncertain significance (1 of 4 stars; one submission).

Conditions:
Idiopathic Pulmonary Fibrosis. Also called: Idiopathic fibrosing alveolitis, chronic form; idiopathic fibrosing alveolitis. Identifiers: Orphanet 2032, MedGen C1800706, MeSH D054990, MONDO:0800504.
Dyskeratosis congenita, autosomal dominant 2. Identifiers: MedGen C3151443, MONDO:0013521, OMIM 613989.

Submission:

Labcorp Genetics (formerly Invitae), Labcorp
Classification: Uncertain significance for Dyskeratosis congenita, autosomal dominant 2; Idiopathic Pulmonary Fibrosis. Last evaluated: 2025-07-15. Review status: criteria provided, single submitter. Criteria: Invitae Variant Classification Sherloc (09022015). Collection method: clinical testing. Allele origin: germline.
Comment: This sequence change replaces glutamine, which is neutral and polar, with histidine, which is basic and polar, at codon 1018 of the TERT protein (p.Gln1018His). This variant is not present in population databases (gnomAD no frequency). This variant has not been reported in the literature in individuals affected with TERT-related conditions. Invitae Evidence Modeling of protein sequence and biophysical properties (such as structural, functional, and spatial information, amino acid conservation, physicochemical variation, residue mobility, and thermodynamic stability) indicates that this missense variant is expected to disrupt TERT protein function with a positive predictive value of 95%. In summary, the available evidence is currently insufficient to determine the role of this variant in disease. Therefore, it has been classified as a Variant of Uncertain Significance.

NM_198253.3(TERT):c.3054G>C (p.Gln1018His)

Gene: TERT (telomerase reverse transcriptase; minus strand). Cytogenetic location: 5p15.33.
Variant type: single nucleotide variant.
Coding change: c.3054G>C on transcript NM_198253.3 (MANE Select); coding-DNA position 3054, G replaced by C.
Protein change: p.Gln1018His; replaces glutamine 1018 with histidine.
Molecular consequence: missense variant. On other transcripts: non-coding transcript variant (2).
Genome position (GRCh38, 1-based): chr5:1,255,390, C>G on the plus strand (G>C on the coding strand, the complement: TERT is on the minus strand). VCF-style: chr5-1255390-C-G. GRCh37 (hg19) VCF-style: chr5-1255505-C-G.
Other names: c.2865G>C, p.Gln955His (NM_001193376.3); short protein forms Q1018H, Q955H.
Identifiers: ClinVar variation 4789773 (VCV004789773.1).